The following is an entry in ClinVar:

ClinVar aggregate classification (germline): Uncertain significance. Review status: criteria provided, multiple submitters, no conflicts (2 of 4 stars). 9 submissions from 9 submitters: Uncertain significance (8). 1 of the submissions does not count toward it. Last evaluated 2025-11-21.

Conditions:
Multiple endocrine neoplasia type 2A. Also called: MULTIPLE ENDOCRINE NEOPLASIA, TYPE IIA; PTC SYNDROME; SIPPLE SYNDROME; MEN 2A; MEN-2A syndrome; Pheochromocytoma and amyloid producing medullary thyroid carcinoma. Identifiers: Orphanet 247698, Orphanet 653, MedGen C0025268, MeSH D018813, MONDO:0008234, OMIM 171400.
Pheochromocytoma. Also called: MAX-Related Hereditary Paraganglioma-Pheochromocytoma Syndrome. Identifiers: Orphanet 29072, MedGen C0031511, MONDO:0008233, OMIM 171300, HP:0002666.
Familial medullary thyroid carcinoma (MTC). Also called: Thyroid cancer, familial medullary; MTC, familial; Familial Medullary Thyroid Carcinoma (FMTC). Identifiers: Orphanet 653, Orphanet 99361, MedGen C1833921, MONDO:0007958, OMIM 155240.
Multiple endocrine neoplasia type 2B. Also called: MEN 2B; Multiple endocrine neoplasia, type 3; MULTIPLE ENDOCRINE NEOPLASIA, TYPE IIB; MUCOSAL NEUROMA SYNDROME; NEUROMATA, MUCOSAL, WITH ENDOCRINE TUMORS; WAGENMANN-FROBOESE SYNDROME. Identifiers: Orphanet 247709, Orphanet 653, MedGen C0025269, MeSH D018814, MONDO:0008082, OMIM 162300.
Hirschsprung disease, susceptibility to, 1 (HSCR1). Also called: RET-Related Hirschsprung Disease. Identifiers: Orphanet 388, MedGen C3888239, MONDO:0007723, OMIM 142623.
Hereditary cancer-predisposing syndrome. Also called: Neoplastic Syndromes, Hereditary; Tumor predisposition; Hereditary neoplastic syndrome; Hereditary Cancer Syndrome. Identifiers: Orphanet 140162, MedGen C0027672, MeSH D009386, MONDO:0015356.
Multiple endocrine neoplasia, type 2 (MEN2). Identifiers: Orphanet 653, MedGen C4048306, MONDO:0019003. Disease mechanism: gain of function.

Allele frequency attached by ClinVar (database versions not stated): TOPMed 0.00001; gnomAD exomes 0.00001.
gnomAD v4.1: 9 of 1,613,388 alleles (0.00056%); highest among the groups gnomAD compares: African/African-American, 0.0013%; no homozygotes.

Submissions (9):

Ambry Genetics
Classification: Uncertain significance for Hereditary cancer-predisposing syndrome. Last evaluated: 2025-11-21. Review status: criteria provided, single submitter. Criteria: Ambry Variant Classification Scheme 2023. Collection method: clinical testing. Allele origin: germline.
Comment: The p.R844W variant (also known as c.2530C>T), located in coding exon 14 of the RET gene, results from a C to T substitution at nucleotide position 2530. The arginine at codon 844 is replaced by tryptophan, an amino acid with dissimilar properties. This amino acid position is highly conserved in available vertebrate species. In addition, this alteration is predicted to be deleterious by in silico analysis. Since supporting evidence is limited at this time, the clinical significance of this alteration remains unclear.

Labcorp Genetics (formerly Invitae), Labcorp
Classification: Uncertain significance for Multiple endocrine neoplasia, type 2. Last evaluated: 2025-11-09. Review status: criteria provided, single submitter. Criteria: Invitae Variant Classification Sherloc (09022015). Collection method: clinical testing. Allele origin: germline.
Comment: This sequence change replaces arginine, which is basic and polar, with tryptophan, which is neutral and slightly polar, at codon 844 of the RET protein (p.Arg844Trp). This variant is not present in population databases (gnomAD no frequency). This missense change has been observed in individual(s) with Hirschsprung’s disease (PMID: 16818057). ClinVar contains an entry for this variant (Variation ID: 24950). An algorithm developed specifically for the RET gene suggests that this missense change is likely to be deleterious (PMID: 21479187). In summary, the available evidence is currently insufficient to determine the role of this variant in disease. Therefore, it has been classified as a Variant of Uncertain Significance.

All of Us Research Program, National Institutes of Health
Classification: Uncertain significance for Multiple endocrine neoplasia, type 2. Last evaluated: 2024-09-09. Review status: criteria provided, single submitter. Criteria: ACMG Guidelines, 2015. Collection method: clinical testing. Allele origin: germline. Inheritance: Autosomal dominant inheritance. Observed: 3 variant alleles, 3 heterozygotes.
Comment: This missense variant replaces arginine with tryptophan at codon 844 of the RET protein. Computational prediction suggests that this variant may have deleterious impact on protein structure and function (internally defined REVEL score threshold >= 0.7, PMID: 27666373). To our knowledge, functional studies have not been reported for this variant nor has this variant been reported in individuals affected with hereditary cancer in the literature. Two other missense variants at this position, p.Arg844Leu and p.Arg844Gln, have been reported individuals affected with medullary thyroid cancer or pheochromocytoma (PMID: 9506724, 10826520, 18058472, 30877234). This variant has not been identified in the general population by the Genome Aggregation Database (gnomAD). The available evidence is insufficient to determine the role of this variant in disease conclusively. Therefore, this variant is classified as a Variant of Uncertain Significance.

This study involves interpretation of variants in research participants for the purpose of population health screening. Participant phenotype was not available at the time of variant classification. Additional details can be found in publication PMID: 35346344, PMCID: PMC8962531

Color Diagnostics, LLC DBA Color Health
Classification: Uncertain significance for Multiple endocrine neoplasia, type 2. Last evaluated: 2024-04-03. Review status: criteria provided, single submitter. Criteria: ACMG Guidelines, 2015. Collection method: clinical testing. Allele origin: germline.
Comment: This missense variant replaces arginine with tryptophan at codon 844 of the RET protein. Computational prediction suggests that this variant may have deleterious impact on protein structure and function. To our knowledge, functional studies have not been reported for this variant nor has this variant been reported in individuals affected with hereditary cancer in the literature. Two other missense variants at this position, p.Arg844Leu and p.Arg844Gln, have been reported individuals affected with medullary thyroid cancer or pheochromocytoma (PMID: 9506724, 10826520, 18058472, 30877234). This variant has not been identified in the general population by the Genome Aggregation Database (gnomAD). The available evidence is insufficient to determine the role of this variant in disease conclusively. Therefore, this variant is classified as a Variant of Uncertain Significance.

Baylor Genetics
Classification: Uncertain significance for Hirschsprung disease, susceptibility to, 1. Last evaluated: 2024-02-08. Review status: criteria provided, single submitter. Criteria: ACMG Guidelines, 2015. Collection method: clinical testing. Allele origin: unknown.

Myriad Genetics, Inc.
Classification: Uncertain significance for Multiple endocrine neoplasia type 2A. Last evaluated: 2023-04-18. Review status: criteria provided, single submitter. Criteria: Myriad Autosomal Dominant, Autosomal Recessive and X-Linked Classification Criteria (2023). Collection method: clinical testing. Allele origin: unknown.
Comment: This variant is classified as a variant of uncertain significance as there is insufficient evidence to determine its impact on protein function and/or cancer risk.

Fulgent Genetics
Classification: Uncertain significance for Hirschsprung disease, susceptibility to, 1; Familial medullary thyroid carcinoma; Multiple endocrine neoplasia type 2B; Pheochromocytoma; Multiple endocrine neoplasia type 2A. Last evaluated: 2022-05-09. Review status: criteria provided, single submitter. Criteria: ACMG Guidelines, 2015. Collection method: clinical testing. Allele origin: unknown.

GeneDx
Classification: Uncertain significance. Last evaluated: 2019-09-06. Review status: criteria provided, single submitter. Criteria: GeneDx Variant Classification Process June 2021. Collection method: clinical testing. Allele origin: germline. Affected: yes.
Comment: Not observed in large population cohorts (Lek 2016); In silico analysis, which includes protein predictors and evolutionary conservation, supports a deleterious effect; Observed in a patient with Hirschprung disease (Kim 2006); This variant is associated with the following publications: (PMID: 16818057, 21479187)

Counsyl
Classification: Uncertain significance for Multiple endocrine neoplasia type 2A. Last evaluated: 2017-09-29. Review status: no assertion criteria provided. Collection method: clinical testing. Allele origin: unknown. Not counted in ClinVar's aggregate classification.

Literature cited by the submitters: PubMed 10826520 (cited by 3 submitters); PubMed 16818057 (cited by 3 submitters); PubMed 21479187 (cited by Ambry Genetics and Labcorp Genetics (formerly Invitae), Labcorp); PubMed 9506724 (cited by All of Us Research Program, National Institutes of Health and Color Diagnostics, LLC DBA Color Health); PubMed 18058472 (cited by All of Us Research Program, National Institutes of Health and Color Diagnostics, LLC DBA Color Health); PubMed 30877234 (cited by All of Us Research Program, National Institutes of Health and Color Diagnostics, LLC DBA Color Health).

NM_020975.6(RET):c.2530C>T (p.Arg844Trp)

Gene: RET (ret proto-oncogene; plus strand). Cytogenetic location: 10q11.21.
Variant type: single nucleotide variant.
Coding change: c.2530C>T on transcript NM_020975.6 (MANE Select); coding-DNA position 2530, C replaced by T.
Protein change: p.Arg844Trp; replaces arginine 844 with tryptophan.
Molecular consequence: missense variant.
Genome position (GRCh38, 1-based): chr10:43,119,668, C>T. VCF-style: chr10-43119668-C-T. GRCh37 (hg19) VCF-style: chr10-43615116-C-T.
Other names: c.2530C>T, p.Arg844Trp (NM_000323.2, NM_020629.2, NM_020630.7 and 4 more transcripts); c.1768C>T, p.Arg590Trp (NM_001355216.2); c.2242C>T, p.Arg748Trp (NM_001406767.1, NM_001406770.1, NM_001406766.1); c.2266C>T, p.Arg756Trp (NM_001406768.1); c.2134C>T, p.Arg712Trp (NM_001406769.1, NM_001406772.1); c.2092C>T, p.Arg698Trp (NM_001406771.1, NM_001406773.1); c.2005C>T, p.Arg669Trp (NM_001406774.1); c.1804C>T, p.Arg602Trp (NM_001406775.1, NM_001406776.1, NM_001406777.1 and 1 more transcripts); and 10 more; short protein forms R590W, R361W, R698W, R756W, R514W, R409W, R449W, R505W.
Identifiers: ClinVar variation 24950 (VCV000024950.24), dbSNP rs377767424, ClinGen allele CA008867.